The following is an entry in ClinVar:

ClinVar aggregate classification (germline): Likely pathogenic. Review status: criteria provided, multiple submitters, no conflicts (2 of 4 stars). 2 submissions from 2 submitters: Likely pathogenic (2). Last evaluated 2023-09-30.

Conditions:
CEP120-related disorder. Also called: CEP120-related condition; CEP120-Related Disorders.
Short-rib thoracic dysplasia 13 with or without polydactyly (SRTD13). Identifiers: Orphanet 474, MedGen C4225378, MONDO:0014577, OMIM 616300.

Submissions (2):

Labcorp Genetics (formerly Invitae), Labcorp
Classification: Likely pathogenic for Short-rib thoracic dysplasia 13 with or without polydactyly. Last evaluated: 2023-09-30. Review status: criteria provided, single submitter. Criteria: Invitae Variant Classification Sherloc (09022015). Collection method: clinical testing. Allele origin: germline.
Comment: In summary, the currently available evidence indicates that the variant is pathogenic, but additional data are needed to prove that conclusively. Therefore, this variant has been classified as Likely Pathogenic. Algorithms developed to predict the effect of sequence changes on RNA splicing suggest that this variant may disrupt the consensus splice site. This variant has not been reported in the literature in individuals affected with CEP120-related conditions. This variant is not present in population databases (gnomAD no frequency). This sequence change affects a donor splice site in intron 19 of the CEP120 gene. It is expected to disrupt RNA splicing. Variants that disrupt the donor or acceptor splice site typically lead to a loss of protein function (PMID: 16199547), and loss-of-function variants in CEP120 are known to be pathogenic (PMID: 25251415, 27208211).

Blueprint Genetics
Classification: Likely pathogenic for CEP120-related disorders. Last evaluated: 2019-07-27. Review status: criteria provided, single submitter. Criteria: ACMG Guidelines, 2015. Collection method: clinical testing. Allele origin: germline. Affected: yes. Observed: 1 variant allele.

Literature cited by the submitters: PubMed 16199547 (cited by Labcorp Genetics (formerly Invitae), Labcorp); PubMed 25251415 (cited by Labcorp Genetics (formerly Invitae), Labcorp); PubMed 27208211 (cited by Labcorp Genetics (formerly Invitae), Labcorp).

NM_001375405.1(CEP120):c.2580+2T>A

Gene: CEP120 (centrosomal protein 120; minus strand). Cytogenetic location: 5q23.2.
Variant type: single nucleotide variant.
Coding change: c.2580+2T>A on transcript NM_001375405.1 (MANE Select); the canonical splice donor site of the intron after coding-DNA position 2580, T replaced by A.
Molecular consequence: splice donor variant.
Genome position (GRCh38, 1-based): chr5:123,364,494, A>T on the plus strand (T>A on the coding strand, the complement: CEP120 is on the minus strand). VCF-style: chr5-123364494-A-T. GRCh37 (hg19) VCF-style: chr5-122700188-A-T.
Other names: c.2502+2T>A (NM_001166226.2); c.2580+2T>A (NM_153223.4, NM_001375407.1); c.2007+2T>A (NM_001375408.1, NM_001375409.1); c.2445+2T>A (NM_001375406.1).
Identifiers: ClinVar variation 2847852 (VCV002847852.4), dbSNP rs2479747890, ClinGen allele CA360896730.
Genomic context (GRCh38, chr5:123,364,494, plus strand): 5'-ATACGAATTTGCAAAGAAACAAGGGAAAAAGATATAAAAAGAATAAGCTATAAACTACAT[A>T]CCTGTTTAAGTCTGGCAAGTTCTTTCAAAGCTCGTCCCCACTGCTGCTTGTAATGCAGTT-3'